The following is an entry in ClinVar:

ClinVar aggregate classification (germline): Benign. Review status: criteria provided, multiple submitters, no conflicts (2 of 4 stars). 7 submissions from 7 submitters: Benign (5). 2 of the submissions do not count toward it. Last evaluated 2026-02-03.

Conditions:
Mitochondrial complex I deficiency, nuclear type 11. Also called: Mitochondrial complex 1 deficiency, nuclear type 11. Identifiers: MedGen C4748769, MONDO:0032617, OMIM 618234.
Mitochondrial complex I deficiency, nuclear type 1. Also called: NADH-COENZYME Q REDUCTASE DEFICIENCY; MITOCHONDRIAL NADH DEHYDROGENASE COMPONENT OF COMPLEX I, DEFICIENCY OF. Identifiers: MedGen C6022305, MONDO:0100224, OMIM 252010.

Allele frequency attached by ClinVar (database versions not stated): 1000 Genomes Project 30x 0.15131; 1000 Genomes Project 0.15236; gnomAD exomes 0.20873 and 0.24147; TOPMed 0.20920; ExAC 0.21101; gnomAD 0.21861 and 0.22292; ESP Exome Variant Server 0.22719.
gnomAD v4.1: 385,090 of 1,611,684 alleles (24%); highest among the groups gnomAD compares: Non-Finnish European, 26%; 48,648 homozygotes.

Submissions (7):

Labcorp Genetics (formerly Invitae), Labcorp
Classification: Benign. Last evaluated: 2026-02-03. Review status: criteria provided, single submitter. Criteria: Invitae Variant Classification Sherloc (09022015). Collection method: clinical testing. Allele origin: germline.

Genome-Nilou Lab
Classification: Benign for Mitochondrial complex I deficiency, nuclear type 11. Last evaluated: 2021-09-05. Review status: criteria provided, single submitter. Criteria: ACMG Guidelines, 2015. Collection method: clinical testing. Allele origin: germline. Affected: no.

Illumina Laboratory Services, Illumina
Classification: Benign for Mitochondrial complex I deficiency, nuclear type 1. Last evaluated: 2018-01-13. Review status: criteria provided, single submitter. Criteria: ICSL Variant Classification Criteria 13 December 2019. Collection method: clinical testing. Allele origin: germline.
Comment: This variant was observed in the ICSL laboratory as part of a predisposition screen in an ostensibly healthy population. It had not been previously curated by ICSL or reported in the Human Gene Mutation Database (HGMD: prior to June 1st, 2018), and was therefore a candidate for classification through an automated scoring system. Utilizing variant allele frequency, disease prevalence and penetrance estimates, and inheritance mode, an automated score was calculated to assess if this variant is too frequent to cause the disease. Based on the score and internal cut-off values, a variant classified as benign is not then subjected to further curation. The score for this variant resulted in a classification of benign for this disease.

GeneDx
Classification: Benign. Last evaluated: 2015-03-03. Review status: criteria provided, single submitter. Criteria: GeneDx Variant Classification Process June 2021. Collection method: clinical testing. Allele origin: germline. Affected: yes.

Breakthrough Genomics
Classification: Benign. Review status: criteria provided, single submitter. Criteria: ACMG Guidelines, 2015. Collection method: not provided. Allele origin: germline. Inheritance: Autosomal recessive inheritance. Affected: yes.

Mayo Clinic Laboratories, Mayo Clinic
Classification: Benign. Last evaluated: 2016-02-19. Review status: no assertion criteria provided. Collection method: clinical testing. Allele origin: unknown. Not counted in ClinVar's aggregate classification.

Genetic Services Laboratory, University of Chicago
Classification: Likely benign for AllHighlyPenetrant. Review status: no assertion criteria provided. Collection method: clinical testing. Allele origin: germline. Inheritance: Autosomal recessive inheritance. Not counted in ClinVar's aggregate classification.
Comment: Likely benign based on allele frequency in 1000 Genomes Project or ESP global frequency and its presence in a patient with a rare or unrelated disease phenotype. NOT Sanger confirmed.

NM_016013.4(NDUFAF1):c.26G>A (p.Arg9His)

Gene: NDUFAF1 (NADH:ubiquinone oxidoreductase complex assembly factor 1; minus strand). Cytogenetic location: 15q15.1.
Variant type: single nucleotide variant.
Coding change: c.26G>A on transcript NM_016013.4 (MANE Select); coding-DNA position 26, G replaced by A.
Protein change: p.Arg9His; replaces arginine 9 with histidine.
Molecular consequence: missense variant. On other transcripts: non-coding transcript variant (1).
Genome position (GRCh38, 1-based): chr15:41,397,034, C>T on the plus strand (G>A on the coding strand, the complement: NDUFAF1 is on the minus strand). VCF-style: chr15-41397034-C-T. GRCh37 (hg19) VCF-style: chr15-41689232-C-T.
Other names: short protein forms R9H.
Identifiers: ClinVar variation 129688 (VCV000129688.26), dbSNP rs1899, ClinGen allele CA153847.